The following is an entry in ClinVar:

ClinVar aggregate classification (germline): Pathogenic. Review status: criteria provided, multiple submitters, no conflicts (2 of 4 stars). 3 submissions from 3 submitters: Pathogenic (3). Last evaluated 2026-10-14.

Conditions:
Fliedner-Zweier syndrome (FZS). Identifiers: MedGen C5882693, MONDO:0957787, OMIM 620511.

gnomAD v4.1: 1 of 1,496,116 alleles (0.000067%); highest among the groups gnomAD compares: Admixed American, 0.0019%; no homozygotes.

Submissions (3):

GeneDx
Classification: Pathogenic. Last evaluated: 2026-10-14. Review status: criteria provided, single submitter. Criteria: GeneDx Variant Classification Process June 2021. Collection method: clinical testing. Allele origin: germline.
Comment: Reported in two probands in published literature, including one with seizures, ADHD, club foot, and average IQ in whom the variant occurred de novo, and one with moderate intellectual disability / developmental delay for whom full parental segregation was not provided (PMID: 39668183); Nonsense variant predicted to result in protein truncation or nonsense mediated decay in a gene for which loss of function is a known mechanism of disease; Not observed at significant frequency in large population cohorts (gnomAD); This variant is associated with the following publications: (PMID: 39668183)

Victorian Clinical Genetics Services, Murdoch Childrens Research Institute
Classification: Pathogenic for Fliedner-Zweier syndrome. Last evaluated: 2026-01-15. Review status: criteria provided, single submitter. Criteria: ACMG Guidelines, 2015. Collection method: clinical testing. Allele origin: germline. Affected: yes.
Comment: This variant is classified as Pathogenic. Evidence in support of pathogenic classification: Variant is predicted to cause nonsense-mediated decay (NMD) and loss of protein (premature termination codon is located at least 54 nucleotides upstream of the final exon-exon junction); Variant is present in gnomAD <0.001 for a dominant condition (v4: 1 heterozygote(s), 0 homozygote(s)); This variant has limited previous evidence of pathogenicity. This variant has been classified as pathogenic by a clinical laboratory in ClinVar and has been observed in an individual with features of SCAF4-associated neurodevelopmental disorder (PMID: 39668183); Other NMD-predicted variants comparable to the one identified in this case have very strong previous evidence for pathogenicity (DECIPHER). Additional information: This variant is heterozygous; This gene is associated with autosomal dominant disease; No published evidence of segregation with disease has been identified for this variant; No published functional evidence has been identified for this variant; Loss of function is a known mechanism of disease in this gene and is associated with Fliedner-Zweier syndrome (MIM#620511); Variants in this gene are known to have variable expressivity (PMID: 32730804); Inheritance information for this variant is not currently available in this individual.

Clinical Genomics Laboratory, Washington University in St. Louis
Classification: Pathogenic for Fliedner-Zweier syndrome. Last evaluated: 2025-10-07. Review status: criteria provided, single submitter. Criteria: ACMG Guidelines, 2015. Collection method: clinical testing. Allele origin: germline. Affected: yes.
Comment: The SCAF4 c.1339C>T (p.Arg447*) variant has been reported in at least two individuals; one individual displayed developmental delay, brachycephaly, epileptic seizures, facial dysmorphisms and behavior issues, and the other individual displayed seizures and ADHD and the variant occurred de novo (Personal Communication, Maccabi Lab; Schmid CM et al., PMID: 39668183). This variant has been reported in the ClinVar database as a germline pathogenic variant by one submitter. This variant is absent from the general population (gnomAD v.2.1.1), indicating it is not a common variant. This variant causes a premature termination codon, which is predicted to lead to nonsense-mediated decay. Based on available information and the ACMG/AMP guidelines for variant interpretation (Richards S et al., PMID: 25741868), this variant is classified as pathogenic.

Literature cited by the submitters: PubMed 39668183 (cited by Victorian Clinical Genetics Services, Murdoch Childrens Research Institute); PubMed 32730804 (cited by Victorian Clinical Genetics Services, Murdoch Childrens Research Institute).

NM_020706.2(SCAF4):c.1339C>T (p.Arg447Ter)

Gene: SCAF4 (SR-related CTD associated factor 4; minus strand). Cytogenetic location: 21q22.11.
Variant type: single nucleotide variant.
Coding change: c.1339C>T on transcript NM_020706.2 (MANE Select); coding-DNA position 1339, C replaced by T.
Protein change: p.Arg447Ter; replaces arginine 447 with a stop codon.
Molecular consequence: nonsense.
Genome position (GRCh38, 1-based): chr21:31,693,468, G>A on the plus strand (C>T on the coding strand, the complement: SCAF4 is on the minus strand). VCF-style: chr21-31693468-G-A. GRCh37 (hg19) VCF-style: chr21-33065781-G-A.
Other names: c.1294C>T, p.Arg432Ter (NM_001145444.1); c.1339C>T, p.Arg447Ter (NM_001145445.1); short protein forms R432*, R447*.
Identifiers: ClinVar variation 3899522 (VCV003899522.4).
Genomic context (GRCh38, chr21:31,693,468, plus strand): 5'-TGGACCGAGATCGAGAACGTCGATGCCGAGACCTTCGAGATCTAGAACCAGATCTAGATC[G>A]CCTCCTTTTTGGTGACCTAATGTTTTCAAGAGAAGGGAGAATGCATAGCATATAGACAAA-3'